The following is an entry in ClinVar:

ClinVar aggregate classification (germline): Likely benign (1 of 4 stars; one submission).

Allele frequency attached by ClinVar (database versions not stated): TOPMed 0.00004; ExAC 0.00006; gnomAD 0.00006; ESP Exome Variant Server 0.00031.
gnomAD v4.1: 75 of 1,605,618 alleles (0.0047%); highest among the groups gnomAD compares: Non-Finnish European, 0.0056%; no homozygotes.

Submission:

Laboratory for Molecular Medicine, Mass General Brigham Personalized Medicine
Classification: Likely benign. Last evaluated: 2012-04-30. Review status: criteria provided, single submitter. Criteria: LMM Criteria. Collection method: clinical testing. Allele origin: germline. Observed: 1 variant allele.
Comment: p.Pro423Pro in exon 8 of TRIOBP (NM_138632.2): This variant is not expected to h ave clinical significance because it does not alter an amino acid residue, is no t located within the splice consensus sequence, and has been identified in 4/662 02 European chromosomes by the Exome Aggregation Consortium (ExAC; dbSNP rs140572991). In addition, the variant occurs in the co ding region of one transcript isoform of the gene and lies in an intronic region in other transcript isoforms of TRIOBP (NM_001039141.2, NM_007032.5).

NM_001039141.3(TRIOBP):c.6324+236G>A

Gene: TRIOBP (TRIO and F-actin binding protein; plus strand). Cytogenetic location: 22q13.1.
Variant type: single nucleotide variant.
Coding change: c.6324+236G>A on transcript NM_001039141.3 (MANE Select); 236 bases into the intron after coding-DNA position 6324, G replaced by A.
Molecular consequence: intron variant. On other transcripts: synonymous variant (1).
Genome position (GRCh38, 1-based): chr22:37,759,500, G>A. VCF-style: chr22-37759500-G-A. GRCh37 (hg19) VCF-style: chr22-38155507-G-A.
Other names: c.1269G>A, p.Pro423= (NM_138632.2); c.1185+236G>A (NM_007032.5).
Identifiers: ClinVar variation 504695 (VCV000504695.5), dbSNP rs140572991, ClinGen allele CA10224985.